The following continues an entry in ClinVar:

NM_001042492.3(NF1):c.1260+1604A>G

Gene: NF1. ClinVar aggregate classification (germline): Pathogenic/Likely pathogenic. Pathogenic (18); Likely pathogenic (2).

Submissions 12 to 20 of 20:

Ambry Genetics
Classification: Pathogenic for Cardiovascular phenotype; Hereditary cancer-predisposing syndrome. Last evaluated: 2022-11-29. Review status: criteria provided, single submitter. Criteria: Ambry Variant Classification Scheme 2023. Collection method: clinical testing. Allele origin: germline.
Comment: The c.1260+1604A>G intronic pathogenic mutation results from an A to G substitution 1604 nucleotides after coding exon 11 in the NF1 gene. This mutation has been reported in several individuals who met the NIH clinical diagnostic criteria for neurofibromatosis type 1 (NF1) (Wang X et al. Genes Chromosomes Cancer. 2018 Jan;57:19-27; Sabbagh A et al. Hum. Mutat. 2013 Nov;34:1510-8; Evans DG et al. EBioMedicine. 2016 May;7:212-20). In addition, RNA studies have demonstrated that this alteration creates a new acceptor site, leading to an insertion of a cryptic exon that introduces a premature termination codon (Valero MC et al. J Mol Diagn. 2011;13(2):113-122; Sabbagh A et al. Hum Mutat. 2013 Nov;34(11):1510-8; Ambry internal data). Based on the supporting evidence, this alteration is interpreted as a disease-causing mutation.

GeneDx
Classification: Pathogenic. Last evaluated: 2022-04-25. Review status: criteria provided, single submitter. Criteria: GeneDx Variant Classification Process June 2021. Collection method: clinical testing. Allele origin: germline. Affected: yes.
Comment: Non-canonical splice site variant demonstrated to result in aberrant splicing leading to protein truncation or nonsense mediated decay in a gene for which loss-of-function is a known mechanism of disease (Valero 2011, Sabbagh 2013, Evans 2016, Wang 2017, Assunto 2019, Giugliano 2019); No data available from ethnically-matched control populations to assess the frequency of this variant; This variant is associated with the following publications: (PMID: 30530636, 31730495, 30104415, 21354044, 31370276, 27999334, 27322474, 23913538, 32486389, 11115850, 28891274, 34782607, 34573290)

Genome-Nilou Lab
Classification: Pathogenic for Neurofibromatosis, type 1. Last evaluated: 2022-03-15. Review status: criteria provided, single submitter. Criteria: ACMG Guidelines, 2015. Collection method: clinical testing. Allele origin: germline. Affected: no.

MGZ Medical Genetics Center
Classification: Pathogenic for Neurofibromatosis, type 1. Last evaluated: 2021-12-07. Review status: criteria provided, single submitter. Criteria: ACMG Guidelines, 2015. Collection method: clinical testing. Allele origin: germline. Affected: yes. Observed: 1 variant allele.
Comment: ACMG criteria applied: PS2, PS3, PS4_MOD, PM2_SUP

Sema4
Classification: Pathogenic for Hereditary cancer-predisposing syndrome. Last evaluated: 2021-01-12. Review status: criteria provided, single submitter. Criteria: Sema4 Curation Guidelines. Collection method: curation. Allele origin: germline.
Comment: The NF1 c.1260+1604A>G variant has been reported in several individuals with Neurofibromatosis type 1 (PMID: 21354044, 27999334, 31370276, 31730495), and two individuals with breast cancer and Neurofibromatosis type 1 (PMID: 28891274). A few cDNA analysis have shown that this variant alters the gene splicing (PMID: 21354044,23913538, 31370276). This variant is not reported in the population database Genome Aggregation Database (PMID: 32461654). Based on the current evidence available, this variant is interpreted as pathogenic.

Revvity Omics, Revvity
Classification: Pathogenic. Last evaluated: 2020-11-12. Review status: criteria provided, single submitter. Criteria: ACMG Guidelines, 2015. Collection method: clinical testing. Allele origin: germline.

Medical Genetics, University of Parma
Classification: Pathogenic for Neurofibromatosis, type 1. Last evaluated: 2019-12-20. Review status: criteria provided, single submitter. Criteria: ACMG Guidelines, 2015. Collection method: clinical testing. Allele origin: germline. Affected: yes.

Ambry Genetics
Classification: Pathogenic for Hereditary cancer-predisposing syndrome. Last evaluated: 2015-11-05. Review status: criteria provided, single submitter. Criteria: Ambry Autosomal Dominant and X-Linked criteria (10/2015). Collection method: clinical testing. Allele origin: germline. Observed: 1 variant allele.
Comment: The c.1260+1604A>G intronic pathogenic mutation results from an A to G substitution 1604 nucleotides after coding exon 11 in the NF1 gene.Thismutation has been reported in several individuals withneurofibromatosis type 1 (NF1), one of whom met the NIH clinical diagnostic criteria for NF1.In addition,in vitrostudies havedemonstrated that this alteration affectssplicing and causesan insertion of a crypticexonthat shifts the reading frame, ultimately causing a premature stopcodon(Valero MC et al. J MolDiagn. 2011;13(2):113-122;SabbaghA et al.HumMutat. 2013 Nov;34(11):1510-8). Based on the available evidence, c.1260+1604A>Gis classified as a pathogenic mutation.

Department of Pathology and Laboratory Medicine, Sinai Health System
Classification: Likely pathogenic for neurofibromatosis type 1. Review status: criteria provided, single submitter. Criteria: ACMG Guidelines, 2015. Collection method: clinical testing. Allele origin: germline.

Literature cited by the submitters: PubMed 21354044 (cited by 4 submitters); PubMed 23913538 (cited by 4 submitters); PubMed 27999334 (cited by 4 submitters); PubMed 11115850 (cited by Labcorp Genetics (formerly Invitae), Labcorp and Quest Diagnostics Nichols Institute San Juan Capistrano); PubMed 31370276 (cited by 3 submitters); PubMed 37186028 (cited by Women's Health and Genetics/Laboratory Corporation of America, LabCorp); PubMed 27322474 (cited by Quest Diagnostics Nichols Institute San Juan Capistrano); PubMed 28891274 (cited by Quest Diagnostics Nichols Institute San Juan Capistrano and Sema4); PubMed 31730495 (cited by Quest Diagnostics Nichols Institute San Juan Capistrano and Sema4).